The following is an entry in ClinVar:

NM_001009944.3(PKD1):c.1594C>G (p.Leu532Val)

Gene: PKD1 (polycystin 1, transient receptor potential channel interacting; minus strand). Cytogenetic location: 16p13.3.
Variant type: single nucleotide variant.
Coding change: c.1594C>G on transcript NM_001009944.3 (MANE Select); coding-DNA position 1594, C replaced by G.
Protein change: p.Leu532Val; replaces leucine 532 with valine.
Molecular consequence: missense variant.
Genome position (GRCh38, 1-based): chr16:2,116,845, G>C on the plus strand (C>G on the coding strand, the complement: PKD1 is on the minus strand). VCF-style: chr16-2116845-G-C. GRCh37 (hg19) VCF-style: chr16-2166846-G-C.
Other names: c.1594C>G, p.Leu532Val (NM_000296.4); short protein forms L532V.
Identifiers: ClinVar variation 3906073 (VCV003906073.10).
Genomic context (GRCh38, chr16:2,116,845, plus strand): 5'-CCCTAACCACAGCCAGCGTCTCAGGCCCCTGCCTGGCCCCCCGCACACCTCCGGGCTGCA[G>C]CTCGCAGACGTAGCTGTGCGGCGCTGAGCACAGGTCGGTGTTACACCACCCGGTGGGCCC-3'
Protein context (NP_001009944.3, residues 522-542): CSAPHSYVCE[Leu532Val]QPGGPVQDAE

ClinVar aggregate classification (germline): Uncertain significance (1 of 4 stars; one submission).

gnomAD v4.1: 1 of 1,529,054 alleles (0.000065%); highest among the groups gnomAD compares: South Asian, 0.0012%; no homozygotes.

Submission:

CeGaT Center for Human Genetics Tuebingen
Classification: Uncertain significance. Last evaluated: 2025-06-01. Review status: criteria provided, single submitter. Criteria: CeGaT Center For Human Genetics Tuebingen Variant Classification Criteria Version 2. Collection method: clinical testing. Allele origin: germline. Affected: yes. Observed: 1 variant allele.
Comment: PKD1: PM2, PP3, PS4:Supporting